The following is an entry in ClinVar:

ClinVar aggregate classification (germline): Uncertain significance. Review status: criteria provided, multiple submitters, no conflicts (2 of 4 stars). 2 submissions from 2 submitters: Uncertain significance (2). Last evaluated 2024-02-29.

gnomAD v4.1: 8 of 1,614,172 alleles (0.0005%); highest among the groups gnomAD compares: Non-Finnish European, 0.00068%; no homozygotes.

Submissions (2):

Labcorp Genetics (formerly Invitae), Labcorp
Classification: Uncertain significance. Last evaluated: 2024-02-29. Review status: criteria provided, single submitter. Criteria: Invitae Variant Classification Sherloc (09022015). Collection method: clinical testing. Allele origin: germline.
Comment: This sequence change replaces proline, which is neutral and non-polar, with threonine, which is neutral and polar, at codon 855 of the KIF20A protein (p.Pro855Thr). This variant is present in population databases (no rsID available, gnomAD 0.003%). This variant has not been reported in the literature in individuals affected with KIF20A-related conditions. ClinVar contains an entry for this variant (Variation ID: 1950428). An algorithm developed to predict the effect of missense changes on protein structure and function (PolyPhen-2) suggests that this variant is likely to be tolerated. In summary, the available evidence is currently insufficient to determine the role of this variant in disease. Therefore, it has been classified as a Variant of Uncertain Significance.

Ambry Genetics
Classification: Uncertain significance. Last evaluated: 2023-07-05. Review status: criteria provided, single submitter. Criteria: Ambry Variant Classification Scheme 2023. Collection method: clinical testing. Allele origin: germline.

NM_005733.3(KIF20A):c.2563C>A (p.Pro855Thr)

Gene: KIF20A (kinesin family member 20A; plus strand). Cytogenetic location: 5q31.2.
Variant type: single nucleotide variant.
Coding change: c.2563C>A on transcript NM_005733.3 (MANE Select); coding-DNA position 2563, C replaced by A.
Protein change: p.Pro855Thr; replaces proline 855 with threonine.
Molecular consequence: missense variant.
Genome position (GRCh38, 1-based): chr5:138,187,303, C>A. VCF-style: chr5-138187303-C-A. GRCh37 (hg19) VCF-style: chr5-137522992-C-A.
Other names: c.2563C>A (NM_005733.2); short protein forms P855T.
Identifiers: ClinVar variation 1950428 (VCV001950428.7), dbSNP rs1264676664, ClinGen allele CA361120221.